The following is an entry in ClinVar:

ClinVar aggregate classification (germline): Uncertain significance (1 of 4 stars; one submission).

Submission:

Labcorp Genetics (formerly Invitae), Labcorp
Classification: Uncertain significance. Last evaluated: 2021-12-23. Review status: criteria provided, single submitter. Criteria: Invitae Variant Classification Sherloc (09022015). Collection method: clinical testing. Allele origin: germline.
Comment: This sequence change replaces valine, which is neutral and non-polar, with isoleucine, which is neutral and non-polar, at codon 615 of the INSR protein (p.Val615Ile). This variant is not present in population databases (gnomAD no frequency). This variant has not been reported in the literature in individuals affected with INSR-related conditions. Advanced modeling of protein sequence and biophysical properties (such as structural, functional, and spatial information, amino acid conservation, physicochemical variation, residue mobility, and thermodynamic stability) performed at Invitae indicates that this missense variant is not expected to disrupt INSR protein function. In summary, the available evidence is currently insufficient to determine the role of this variant in disease. Therefore, it has been classified as a Variant of Uncertain Significance.

NM_000208.4(INSR):c.1843G>A (p.Val615Ile)

Gene: INSR (insulin receptor; minus strand). Cytogenetic location: 19p13.2.
Variant type: single nucleotide variant.
Coding change: c.1843G>A on transcript NM_000208.4 (MANE Select); coding-DNA position 1843, G replaced by A.
Protein change: p.Val615Ile; replaces valine 615 with isoleucine.
Molecular consequence: missense variant.
Genome position (GRCh38, 1-based): chr19:7,166,172, C>T on the plus strand (G>A on the coding strand, the complement: INSR is on the minus strand). VCF-style: chr19-7166172-C-T. GRCh37 (hg19) VCF-style: chr19-7166183-C-T.
Other names: c.1843G>A, p.Val615Ile (NM_001079817.3); short protein forms V615I.
Identifiers: ClinVar variation 1350809 (VCV001350809.6), dbSNP rs1240624261, ClinGen allele CA403666213.